The following is an entry in ClinVar:

NM_001235.5(SERPINH1):c.55G>A (p.Ala19Thr)

Gene: SERPINH1 (serpin family H member 1; plus strand). Cytogenetic location: 11q13.5.
Variant type: single nucleotide variant.
Coding change: c.55G>A on transcript NM_001235.5 (MANE Select); coding-DNA position 55, G replaced by A.
Protein change: p.Ala19Thr; replaces alanine 19 with threonine.
Molecular consequence: missense variant.
Genome position (GRCh38, 1-based): chr11:75,566,404, G>A. VCF-style: chr11-75566404-G-A. GRCh37 (hg19) VCF-style: chr11-75277449-G-A.
Other names: c.55G>A, p.Ala19Thr (NM_001207014.3); short protein forms A19T.
Identifiers: ClinVar variation 1941086 (VCV001941086.2), dbSNP rs778730843, ClinGen allele CA6190706.

ClinVar aggregate classification (germline): Uncertain significance (1 of 4 stars; one submission).

Submission:

Labcorp Genetics (formerly Invitae), Labcorp
Classification: Uncertain significance. Last evaluated: 2022-08-20. Review status: criteria provided, single submitter. Criteria: Invitae Variant Classification Sherloc (09022015). Collection method: clinical testing. Allele origin: germline.
Comment: This sequence change replaces alanine, which is neutral and non-polar, with threonine, which is neutral and polar, at codon 19 of the SERPINH1 protein (p.Ala19Thr). This variant is present in population databases (rs778730843, gnomAD 0.009%). This variant has not been reported in the literature in individuals affected with SERPINH1-related conditions. Advanced modeling of protein sequence and biophysical properties (such as structural, functional, and spatial information, amino acid conservation, physicochemical variation, residue mobility, and thermodynamic stability) performed at Invitae indicates that this missense variant is not expected to disrupt SERPINH1 protein function. In summary, the available evidence is currently insufficient to determine the role of this variant in disease. Therefore, it has been classified as a Variant of Uncertain Significance.